The following is an entry in ClinVar:

NM_005857.5(ZMPSTE24):c.827G>A (p.Arg276Gln)

Gene: ZMPSTE24 (zinc metallopeptidase STE24; plus strand). Cytogenetic location: 1p34.2.
Variant type: single nucleotide variant.
Coding change: c.827G>A on transcript NM_005857.5 (MANE Select); coding-DNA position 827, G replaced by A.
Protein change: p.Arg276Gln; replaces arginine 276 with glutamine.
Molecular consequence: missense variant.
Genome position (GRCh38, 1-based): chr1:40,281,400, G>A. VCF-style: chr1-40281400-G-A. GRCh37 (hg19) VCF-style: chr1-40747072-G-A.
Other names: short protein forms R276Q.
Identifiers: ClinVar variation 1913178 (VCV001913178.4), dbSNP rs747497620, ClinGen allele CA791095.

ClinVar aggregate classification (germline): Uncertain significance (1 of 4 stars; one submission).

Allele frequency attached by ClinVar (database versions not stated): ExAC 0.00001; gnomAD 0.00001; gnomAD exomes 0.00001; TOPMed 0.00001.
gnomAD v4.1: 20 of 1,613,886 alleles (0.0012%); highest among the groups gnomAD compares: East Asian, 0.0089%; no homozygotes.

Submission:

Labcorp Genetics (formerly Invitae), Labcorp
Classification: Uncertain significance. Last evaluated: 2022-05-03. Review status: criteria provided, single submitter. Criteria: Invitae Variant Classification Sherloc (09022015). Collection method: clinical testing. Allele origin: germline.
Comment: In summary, the available evidence is currently insufficient to determine the role of this variant in disease. Therefore, it has been classified as a Variant of Uncertain Significance. Algorithms developed to predict the effect of missense changes on protein structure and function are either unavailable or do not agree on the potential impact of this missense change (SIFT: "Not Available"; PolyPhen-2: "Possibly Damaging"; Align-GVGD: "Not Available"). This variant has not been reported in the literature in individuals affected with ZMPSTE24-related conditions. This variant is present in population databases (rs747497620, gnomAD 0.006%). This sequence change replaces arginine, which is basic and polar, with glutamine, which is neutral and polar, at codon 276 of the ZMPSTE24 protein (p.Arg276Gln).